The following is an entry in ClinVar:

NM_001382430.1(AKT1):c.734T>G (p.Phe245Cys)

Gene: AKT1 (AKT serine/threonine kinase 1; minus strand). Cytogenetic location: 14q32.33.
Variant type: single nucleotide variant.
Coding change: c.734T>G on transcript NM_001382430.1 (MANE Select); coding-DNA position 734, T replaced by G.
Protein change: p.Phe245Cys; replaces phenylalanine 245 with cysteine.
Molecular consequence: missense variant.
Genome position (GRCh38, 1-based): chr14:104,773,549, A>C on the plus strand (T>G on the coding strand, the complement: AKT1 is on the minus strand). VCF-style: chr14-104773549-A-C. GRCh37 (hg19) VCF-style: chr14-105239886-A-C.
Other names: c.734T>G, p.Phe245Cys (NM_001014431.2, NM_001014432.2, NM_001382431.1 and 3 more transcripts); short protein forms F245C.
Identifiers: ClinVar variation 1442817 (VCV001442817.9), dbSNP rs2140907264, ClinGen allele CA391218484.

ClinVar aggregate classification (germline): Uncertain significance. Review status: criteria provided, multiple submitters, no conflicts (2 of 4 stars). 2 submissions from 2 submitters: Uncertain significance (2). Last evaluated 2025-07-18.

Conditions:
Inborn genetic diseases. Identifiers: MedGen C0950123, MeSH D030342.
Cowden syndrome 6 (CWS6). Identifiers: Orphanet 201, MedGen C3554519, MONDO:0014048, OMIM 615109.

Submissions (2):

Ambry Genetics
Classification: Uncertain significance for Inborn genetic diseases. Last evaluated: 2025-07-18. Review status: criteria provided, single submitter. Criteria: Ambry Variant Classification Scheme 2023. Collection method: clinical testing. Allele origin: germline.
Comment: The p.F245C variant (also known as c.734T>G), located in coding exon 8 of the AKT1 gene, results from a T to G substitution at nucleotide position 734. The phenylalanine at codon 245 is replaced by cysteine, an amino acid with highly dissimilar properties. This amino acid position is conserved. In addition, this alteration is predicted to be deleterious by in silico analysis. Based on the available evidence, the clinical significance of this variant remains unclear.

Labcorp Genetics (formerly Invitae), Labcorp
Classification: Uncertain significance for Cowden syndrome 6. Last evaluated: 2021-01-07. Review status: criteria provided, single submitter. Criteria: Invitae Variant Classification Sherloc (09022015). Collection method: clinical testing. Allele origin: germline.
Comment: In summary, the available evidence is currently insufficient to determine the role of this variant in disease. Therefore, it has been classified as a Variant of Uncertain Significance. Algorithms developed to predict the effect of missense changes on protein structure and function (SIFT, PolyPhen-2, Align-GVGD) all suggest that this variant is likely to be disruptive, but these predictions have not been confirmed by published functional studies and their clinical significance is uncertain. This variant has not been reported in the literature in individuals with AKT1-related conditions. This variant is not present in population databases (ExAC no frequency). This sequence change replaces phenylalanine with cysteine at codon 245 of the AKT1 protein (p.Phe245Cys). The phenylalanine residue is highly conserved and there is a large physicochemical difference between phenylalanine and cysteine.